The following is an entry in ClinVar:

NM_004700.4(KCNQ4):c.1013G>A (p.Arg338Gln)

Gene: KCNQ4 (potassium voltage-gated channel subfamily Q member 4; plus strand). Cytogenetic location: 1p34.2.
Variant type: single nucleotide variant.
Coding change: c.1013G>A on transcript NM_004700.4 (MANE Select); coding-DNA position 1013, G replaced by A.
Protein change: p.Arg338Gln; replaces arginine 338 with glutamine.
Molecular consequence: missense variant.
Genome position (GRCh38, 1-based): chr1:40,820,232, G>A. VCF-style: chr1-40820232-G-A. GRCh37 (hg19) VCF-style: chr1-41285904-G-A.
Other names: c.1013G>A, p.Arg338Gln (NM_172163.3); short protein forms R338Q.
Identifiers: ClinVar variation 3253014 (VCV003253014.5), dbSNP rs191761250.

ClinVar aggregate classification (germline): Conflicting classifications of pathogenicity. Review status: criteria provided, conflicting classifications (1 of 4 stars). 3 submissions from 3 submitters: Uncertain significance (2); Likely benign (1). Last evaluated 2026-04-01.

Allele frequency attached by ClinVar (database versions not stated): TOPMed 0.00004; gnomAD 0.00008; ExAC 0.00010; gnomAD exomes 0.00010; 1000 Genomes Project 0.00060; 1000 Genomes Project 30x 0.00062.
gnomAD v4.1: 154 of 1,609,070 alleles (0.0096%); highest among the groups gnomAD compares: Admixed American, 0.013%; no homozygotes.

Submissions (3):

CeGaT Center for Human Genetics Tuebingen
Classification: Likely benign. Last evaluated: 2026-04-01. Review status: criteria provided, single submitter. Criteria: CeGaT Center For Human Genetics Tuebingen Variant Classification Criteria Version 2. Collection method: clinical testing. Allele origin: germline. Affected: yes. Observed: 1 variant allele.
Comment: KCNQ4: PP3, BP5, BS2

Labcorp Genetics (formerly Invitae), Labcorp
Classification: Uncertain significance. Last evaluated: 2024-07-08. Review status: criteria provided, single submitter. Criteria: Invitae Variant Classification Sherloc (09022015). Collection method: clinical testing. Allele origin: germline.
Comment: This sequence change replaces arginine, which is basic and polar, with glutamine, which is neutral and polar, at codon 338 of the KCNQ4 protein (p.Arg338Gln). This variant is present in population databases (rs191761250, gnomAD 0.01%). This variant has not been reported in the literature in individuals affected with KCNQ4-related conditions. Advanced modeling of protein sequence and biophysical properties (such as structural, functional, and spatial information, amino acid conservation, physicochemical variation, residue mobility, and thermodynamic stability) has been performed at Invitae for this missense variant, however the output from this modeling did not meet the statistical confidence thresholds required to predict the impact of this variant on KCNQ4 protein function. This variant disrupts the p.Arg338 amino acid residue in KCNQ4. Other variant(s) that disrupt this residue have been determined to be pathogenic (PMID: 32382995; Invitae). This suggests that this residue is clinically significant, and that variants that disrupt this residue are likely to be disease-causing. In summary, the available evidence is currently insufficient to determine the role of this variant in disease. Therefore, it has been classified as a Variant of Uncertain Significance.

GeneDx
Classification: Uncertain significance. Last evaluated: 2023-09-27. Review status: criteria provided, single submitter. Criteria: GeneDx Variant Classification Process June 2021. Collection method: clinical testing. Allele origin: germline. Affected: yes.
Comment: In silico analysis supports that this missense variant has a deleterious effect on protein structure/function; Has not been previously published as pathogenic or benign to our knowledge

Literature cited by the submitters: PubMed 32382995 (cited by Labcorp Genetics (formerly Invitae), Labcorp).